The following is an entry in ClinVar:

NM_004247.4(EFTUD2):c.1481G>A (p.Gly494Asp)

Gene: EFTUD2 (elongation factor Tu GTP binding domain containing 2; minus strand). Cytogenetic location: 17q21.31.
Variant type: single nucleotide variant.
Coding change: c.1481G>A on transcript NM_004247.4 (MANE Select); coding-DNA position 1481, G replaced by A.
Protein change: p.Gly494Asp; replaces glycine 494 with aspartic acid.
Molecular consequence: missense variant.
Genome position (GRCh38, 1-based): chr17:44,862,839, C>T on the plus strand (G>A on the coding strand, the complement: EFTUD2 is on the minus strand). VCF-style: chr17-44862839-C-T. GRCh37 (hg19) VCF-style: chr17-42940207-C-T.
Other names: c.1376G>A, p.Gly459Asp (NM_001142605.2); c.1481G>A, p.Gly494Asp (NM_001258353.2); c.1451G>A, p.Gly484Asp (NM_001258354.2); short protein forms G459D, G484D, G494D.
Identifiers: ClinVar variation 1801983 (VCV001801983.2), dbSNP rs866846166, ClinGen allele CA399813949.

ClinVar aggregate classification (germline): Likely pathogenic. Review status: criteria provided, multiple submitters, no conflicts (2 of 4 stars). 2 submissions from 2 submitters: Likely pathogenic (2). Last evaluated 2023-04-16.

Conditions:
EFTUD2-related disorder. Also called: EFTUD2-related condition.

Submissions (2):

PreventionGenetics, part of Exact Sciences
Classification: Likely pathogenic for EFTUD2-related condition. Last evaluated: 2023-04-16. Review status: criteria provided, single submitter. Criteria: ACMG Guidelines, 2015. Collection method: clinical testing. Allele origin: germline.
Comment: The EFTUD2 c.1481G>A variant is predicted to result in the amino acid substitution p.Gly494Asp. To our knowledge, this variant has not been reported in the literature or in a large population database, indicating this variant is rare. This variant is classified as likely pathogenic by a single laboratory in ClinVar. This variant is interpreted as likely pathogenic.

GeneDx
Classification: Likely pathogenic. Last evaluated: 2022-12-02. Review status: criteria provided, single submitter. Criteria: GeneDx Variant Classification Process June 2021. Collection method: clinical testing. Allele origin: germline. Affected: yes.
Comment: Not observed at significant frequency in large population cohorts (gnomAD); In silico analysis supports that this missense variant has a deleterious effect on protein structure/function; Has not been previously published as pathogenic or benign to our knowledge